The following is an entry in ClinVar:

NM_004360.5(CDH1):c.2296-42C>G

Gene: CDH1 (cadherin 1; plus strand). Cytogenetic location: 16q22.1.
Variant type: single nucleotide variant.
Coding change: c.2296-42C>G on transcript NM_004360.5 (MANE Select); 42 bases into the intron before coding-DNA position 2296, C replaced by G.
Molecular consequence: intron variant.
Genome position (GRCh38, 1-based): chr16:68,829,612, C>G. VCF-style: chr16-68829612-C-G. GRCh37 (hg19) VCF-style: chr16-68863515-C-G.
Other names: c.748-42C>G (NM_001317185.2); c.331-42C>G (NM_001317186.2); c.2113-42C>G (NM_001317184.2).
Identifiers: ClinVar variation 2502999 (VCV002502999.1), dbSNP rs1422279980, ClinGen allele CA723143380.

ClinVar aggregate classification (germline): Uncertain significance (1 of 4 stars; one submission).

Conditions:
Hereditary diffuse gastric adenocarcinoma (HDGC). Also called: DIFFUSE GASTRIC AND LOBULAR BREAST CANCER SYNDROME. Identifiers: Orphanet 26106, MedGen C1708349, MONDO:0007648, OMIM 137215.

Allele frequency attached by ClinVar (database versions not stated): TOPMed below 0.00001.
gnomAD v4.1: 2 of 1,605,332 alleles (0.00012%); highest among the groups gnomAD compares: Non-Finnish European, 0.00017%; no homozygotes.

Submission:

European Reference Network on Genetic Tumour Risk Syndromes (ERN-GENTURIS), i3s - Instituto de Investigação e Inovação em Saúde, University of Porto
Classification: Uncertain significance for Hereditary diffuse gastric adenocarcinoma. Last evaluated: 2022-08-01. Review status: criteria provided, single submitter. Criteria: Lee et al. (Hum Mutat. 2018). Collection method: clinical testing. Allele origin: germline. Inheritance: Autosomal dominant inheritance. Affected: no. Study: ERN GENTURIS.
Comment: PM2 (PMID: 30311375)

Literature cited by the submitters: PubMed 36436516.